The following is an entry in ClinVar:

ClinVar aggregate classification (germline): Uncertain significance (1 of 4 stars; one submission).

Allele frequency attached by ClinVar (database versions not stated): gnomAD 0.00005; ESP Exome Variant Server 0.00015; ExAC 0.00003; TOPMed 0.00005.

Submission:

Labcorp Genetics (formerly Invitae), Labcorp
Classification: Uncertain significance. Last evaluated: 2023-11-27. Review status: criteria provided, single submitter. Criteria: Invitae Variant Classification Sherloc (09022015). Collection method: clinical testing. Allele origin: germline.
Comment: This sequence change replaces proline, which is neutral and non-polar, with leucine, which is neutral and non-polar, at codon 40 of the TSPEAR protein (p.Pro40Leu). This variant is present in population databases (rs149141781, gnomAD 0.005%). This variant has not been reported in the literature in individuals affected with TSPEAR-related conditions. ClinVar contains an entry for this variant (Variation ID: 1466031). Advanced modeling of protein sequence and biophysical properties (such as structural, functional, and spatial information, amino acid conservation, physicochemical variation, residue mobility, and thermodynamic stability) performed at Invitae indicates that this missense variant is not expected to disrupt TSPEAR protein function with a negative predictive value of 80%. In summary, the available evidence is currently insufficient to determine the role of this variant in disease. Therefore, it has been classified as a Variant of Uncertain Significance.

NM_144991.3(TSPEAR):c.119C>T (p.Pro40Leu)

Gene: TSPEAR (thrombospondin type laminin G domain and EAR repeats; minus strand). Cytogenetic location: 21q22.3.
Variant type: single nucleotide variant.
Coding change: c.119C>T on transcript NM_144991.3 (MANE Select); coding-DNA position 119, C replaced by T.
Protein change: p.Pro40Leu; replaces proline 40 with leucine.
Molecular consequence: missense variant. On other transcripts: 5 prime UTR variant (1).
Genome position (GRCh38, 1-based): chr21:44,567,969, G>A on the plus strand (C>T on the coding strand, the complement: TSPEAR is on the minus strand). VCF-style: chr21-44567969-G-A. GRCh37 (hg19) VCF-style: chr21-45987853-G-A.
Other names: c.-86C>T (NM_001272037.2); short protein forms P40L.
Identifiers: ClinVar variation 1466031 (VCV001466031.4), dbSNP rs149141781, ClinGen allele CA10058087.
Genomic context (GRCh38, chr21:44,567,969, plus strand): 5'-TGGAGTCCCCGTGCACCGTGAACCTGAACTATCCTGATCCCGCTTGTGGCGCCATCAGAA[G>A]GGACCACTTCCGCCAGGATGTCCAGGGGGCGCAGGTCTGTGGCAAAGAAATCACAGGTGG-3'
Protein context (NP_659428.2, residues 30-50): RPLDILAEVV[Pro40Leu]SDGATSGIRI